The following is an entry in ClinVar:

ClinVar aggregate classification (germline): Uncertain significance (1 of 4 stars; one submission).

Conditions:
Methylmalonic acidemia with homocystinuria, type cblX (MAHCX). Also called: INTELLECTUAL DEVELOPMENTAL DISORDER, X-LINKED 3. Identifiers: Orphanet 369962, MedGen C0796208, MONDO:0010657, OMIM 309541.

Submission:

Labcorp Genetics (formerly Invitae), Labcorp
Classification: Uncertain significance for Methylmalonic acidemia with homocystinuria, type cblX. Last evaluated: 2023-08-15. Review status: criteria provided, single submitter. Criteria: Invitae Variant Classification Sherloc (09022015). Collection method: clinical testing. Allele origin: germline.
Comment: This sequence change replaces proline, which is neutral and non-polar, with leucine, which is neutral and non-polar, at codon 1256 of the HCFC1 protein (p.Pro1256Leu). This variant is not present in population databases (gnomAD no frequency). This variant has not been reported in the literature in individuals affected with HCFC1-related conditions. Algorithms developed to predict the effect of missense changes on protein structure and function output the following: SIFT: "Not Available"; PolyPhen-2: "Benign"; Align-GVGD: "Not Available". The leucine amino acid residue is found in multiple mammalian species, which suggests that this missense change does not adversely affect protein function. In summary, the available evidence is currently insufficient to determine the role of this variant in disease. Therefore, it has been classified as a Variant of Uncertain Significance.

NM_005334.3(HCFC1):c.3767C>T (p.Pro1256Leu)

Gene: HCFC1 (host cell factor C1; minus strand). Cytogenetic location: Xq28.
Variant type: single nucleotide variant.
Coding change: c.3767C>T on transcript NM_005334.3 (MANE Select); coding-DNA position 3767, C replaced by T.
Protein change: p.Pro1256Leu; replaces proline 1256 with leucine.
Molecular consequence: missense variant.
Genome position (GRCh38, 1-based): chrX:153,954,632, G>A on the plus strand (C>T on the coding strand, the complement: HCFC1 is on the minus strand). VCF-style: chrX-153954632-G-A. GRCh37 (hg19) VCF-style: chrX-153220083-G-A.
Other names: c.3767C>T, p.Pro1256Leu (NM_001410705.1); short protein forms P1256L.
Identifiers: ClinVar variation 2786897 (VCV002786897.3), dbSNP rs781823599, ClinGen allele CA415119487.